The following is an entry in ClinVar:

ClinVar aggregate classification (germline): drug response (0 of 4 stars; one submission).

Conditions:
Corticosteroids response. Also called: Corticosteroid response.

Submission:

Genetic Testing Lab, Ashok and Rita Patel Institute of Integrated Study and Research in Biotechnology and Allied Sciences
Classification: drug response for Corticosteroid response. Last evaluated: 2022-05-20. Review status: no assertion criteria provided. Collection method: research. Allele origin: somatic. Affected: yes. Observed: 37 variant alleles.
Comment: Depending upon patients response to standard corticosteroids therapy, they were classified to be either Steroid resistance(SRNS)(poor metabolizer) or steroid sensitive(SSNS)(likley responsive)

NM_022489.4(INF2):c.1887G>T (p.Glu629Asp)

Gene: INF2 (inverted formin 2; plus strand). Cytogenetic location: 14q32.33.
Variant type: single nucleotide variant.
Coding change: c.1887G>T on transcript NM_022489.4 (MANE Select); coding-DNA position 1887, G replaced by T.
Protein change: p.Glu629Asp; replaces glutamic acid 629 with aspartic acid.
Molecular consequence: missense variant.
Genome position (GRCh38, 1-based): chr14:104,708,587, G>T. VCF-style: chr14-104708587-G-T. GRCh37 (hg19) VCF-style: chr14-105174924-G-T.
Other names: c.1887G>T, p.Glu629Asp (NM_001031714.4); short protein forms E629D.
Identifiers: ClinVar variation 1698696 (VCV001698696.2), dbSNP rs2140672369, ClinGen allele CA391218944.
Genomic context (GRCh38, chr14:104,708,587, plus strand): 5'-TGCAGCCAAGCCCAAGGAGCCCACCATGGTGGCCCCCCGGGCCAGGAAGGAGCCCAAGGA[G>T]GTGGGGACGGGGAGGGGACTCAGACCGGGGCCGCCTGCCTGGCCACCCTCCGGTACCAGC-3'
Protein context (NP_071934.3, residues 619-639): VAPRARKEPK[Glu629Asp]ITFLDAKKSL